The following is an entry in ClinVar:

NM_000179.3(MSH6):c.464A>G (p.Lys155Arg)

Gene: MSH6 (mutS homolog 6; plus strand). Cytogenetic location: 2p16.3.
Variant type: single nucleotide variant.
Coding change: c.464A>G on transcript NM_000179.3 (MANE Select); coding-DNA position 464, A replaced by G.
Protein change: p.Lys155Arg; replaces lysine 155 with arginine.
Molecular consequence: missense variant. On other transcripts: 5 prime UTR variant (5), non-coding transcript variant (5), intron variant (8).
Genome position (GRCh38, 1-based): chr2:47,795,900, A>G. VCF-style: chr2-47795900-A-G. GRCh37 (hg19) VCF-style: chr2-48023039-A-G.
Other names: c.470A>G, p.Lys157Arg (NM_001406813.1); c.-531A>G (NM_001406814.1); c.464A>G, p.Lys155Arg (NM_001406817.1, NM_001406796.1, NM_001406798.1 and 5 more transcripts); c.167A>G, p.Lys56Arg (NM_001406818.1, NM_001406819.1, NM_001406820.1 and 10 more transcripts); c.-439A>G (NM_001281494.2); c.560A>G, p.Lys187Arg (NM_001406795.1, NM_001406802.1); c.-62A>G (NM_001406799.1, NM_001406806.1, NM_001406807.1); c.386A>G, p.Lys129Arg (NM_001406804.1); and 3 more; short protein forms K187R, K129R, K155R, K99R, K157R, K56R.
Identifiers: ClinVar variation 3673314 (VCV003673314.2).

ClinVar aggregate classification (germline): Uncertain significance (1 of 4 stars; one submission).

Conditions:
Hereditary nonpolyposis colorectal neoplasms. Identifiers: MedGen C0009405, MeSH D003123.

Submission:

Labcorp Genetics (formerly Invitae), Labcorp
Classification: Uncertain significance for Hereditary nonpolyposis colorectal neoplasms. Last evaluated: 2024-06-06. Review status: criteria provided, single submitter. Criteria: Invitae Variant Classification Sherloc (09022015). Collection method: clinical testing. Allele origin: germline.
Comment: This sequence change replaces lysine, which is basic and polar, with arginine, which is basic and polar, at codon 155 of the MSH6 protein (p.Lys155Arg). This variant is not present in population databases (gnomAD no frequency). This variant has not been reported in the literature in individuals affected with MSH6-related conditions. Advanced modeling of protein sequence and biophysical properties (such as structural, functional, and spatial information, amino acid conservation, physicochemical variation, residue mobility, and thermodynamic stability) performed at Invitae indicates that this missense variant is not expected to disrupt MSH6 protein function with a negative predictive value of 95%. In summary, the available evidence is currently insufficient to determine the role of this variant in disease. Therefore, it has been classified as a Variant of Uncertain Significance.